The following is an entry in ClinVar:

ClinVar aggregate classification (germline): Uncertain significance. Review status: criteria provided, multiple submitters, no conflicts (2 of 4 stars). 6 submissions from 6 submitters: Uncertain significance (6). Last evaluated 2026-04-13.

Conditions:
TTN-related disorder. Also called: TTN-related condition; TTN-related disease; TTN-related disorders.
Autosomal recessive limb-girdle muscular dystrophy type 2J (LGMDR10). Also called: Limb-girdle muscular dystrophy, type 2J; MUSCULAR DYSTROPHY, LIMB-GIRDLE, AUTOSOMAL RECESSIVE 10. Identifiers: Orphanet 140922, MedGen C1837342, MONDO:0012127, OMIM 608807.
Dilated cardiomyopathy 1G (CMD1G). Identifiers: Orphanet 154, MedGen C1858763, MONDO:0011400, OMIM 604145.

Allele frequency attached by ClinVar (database versions not stated): gnomAD 0.00001; gnomAD exomes 0.00001; TOPMed 0.00001.
gnomAD v4.1: 13 of 1,608,768 alleles (0.00081%); highest among the groups gnomAD compares: Middle Eastern, 0.033%; 1 homozygote.

Submissions (6):

PreventionGenetics, part of Exact Sciences
Classification: Uncertain significance for TTN-related condition. Last evaluated: 2026-04-13. Review status: criteria provided, single submitter. Criteria: ACMG Guidelines, 2015. Collection method: clinical testing. Allele origin: germline.
Comment: The TTN c.46160T>C variant is predicted to result in the amino acid substitution p.Ile15387Thr. To our knowledge, this variant has not been reported in the literature. This variant is reported in 0.0033% of alleles in individuals of South Asian descent in gnomAD. At this time, the clinical significance of this variant is uncertain due to the absence of conclusive functional and genetic evidence.

Revvity Omics, Revvity
Classification: Uncertain significance. Last evaluated: 2025-05-23. Review status: criteria provided, single submitter. Criteria: ACMG Guidelines, 2015. Collection method: clinical testing. Allele origin: germline.

Women's Health and Genetics/Laboratory Corporation of America, LabCorp
Classification: Uncertain significance. Last evaluated: 2024-10-17. Review status: criteria provided, single submitter. Criteria: LabCorp Variant Classification Summary - May 2015. Collection method: clinical testing. Allele origin: germline.
Comment: Variant summary: TTN c.38456T>C (p.Ile12819Thr) results in a non-conservative amino acid change located in the I-band domain of the encoded protein sequence. Three of four in-silico tools predict a benign effect of the variant on protein function. The variant allele was found at a frequency of 8.1e-06 in 245654 control chromosomes. The available data on variant occurrences in the general population are insufficient to allow any conclusion about variant significance. To our knowledge, no occurrence of c.38456T>C in individuals affected with Limb-Girdle Muscular Dystrophy, Type 2J and no experimental evidence demonstrating its impact on protein function have been reported. ClinVar contains an entry for this variant (Variation ID: 46998). Based on the evidence outlined above, the variant was classified as uncertain significance.

Labcorp Genetics (formerly Invitae), Labcorp
Classification: Uncertain significance for Dilated cardiomyopathy 1G; Autosomal recessive limb-girdle muscular dystrophy type 2J. Last evaluated: 2017-03-02. Review status: criteria provided, single submitter. Criteria: Invitae Variant Classification Sherloc (09022015). Collection method: clinical testing. Allele origin: germline.

Eurofins Ntd Llc (ga)
Classification: Uncertain significance. Last evaluated: 2017-01-04. Review status: criteria provided, single submitter. Criteria: EGL Classification Definitions 2015. Collection method: clinical testing. Allele origin: germline. Observed: 1 variant allele, 1 heterozygote.

Laboratory for Molecular Medicine, Mass General Brigham Personalized Medicine
Classification: Uncertain significance. Last evaluated: 2012-06-30. Review status: criteria provided, single submitter. Criteria: LMM Criteria. Collection method: clinical testing. Allele origin: germline. Observed: 1 variant allele.
Comment: The Ile12819Thr variant in TTN has not been reported in the literature nor previ ously identified by our laboratory or in 2 large and broad populations (European and African American) screened by the NHLBI Exome Sequencing Project (s.). This low frequency is consistent with a disease causin g role but insufficient to establish this with confidence. The affected amino ac id is not well conserved in evolution, suggesting that a change may be tolerated . Other computational analyses (biochemical amino acid properties, AlignGVGD, Po lyPhen2, and SIFT) do not provide strong support for or against an impact to the protein. Additional information is needed to fully assess the clinical signific ance of the Ile12819Thr variant.

NM_001267550.2(TTN):c.46160T>C (p.Ile15387Thr)

Gene: TTN (titin; minus strand). Cytogenetic location: 2q31.2.
Variant type: single nucleotide variant.
Coding change: c.46160T>C on transcript NM_001267550.2 (MANE Select); coding-DNA position 46160, T replaced by C.
Protein change: p.Ile15387Thr; replaces isoleucine 15387 with threonine.
Molecular consequence: missense variant.
Genome position (GRCh38, 1-based): chr2:178,620,361, A>G on the plus strand (T>C on the coding strand, the complement: TTN is on the minus strand). VCF-style: chr2-178620361-A-G. GRCh37 (hg19) VCF-style: chr2-179485088-A-G.
Other names: c.41237T>C, p.Ile13746Thr (NM_001256850.1); c.18965T>C, p.Ile6322Thr (NM_003319.4); c.19340T>C, p.Ile6447Thr (NM_133432.3); c.19541T>C, p.Ile6514Thr (NM_133437.4); c.38456T>C, p.Ile12819Thr (NM_133378.4); short protein forms I15387T, I12819T, I6322T, I6514T, I13746T, I6447T.
Identifiers: ClinVar variation 46998 (VCV000046998.14), dbSNP rs397517585, ClinGen allele CA139725.